The following is an entry in ClinVar:

NM_002206.3(ITGA7):c.467C>A (p.Thr156Lys)

Gene: ITGA7 (integrin subunit alpha 7; minus strand). Cytogenetic location: 12q13.2.
Variant type: single nucleotide variant.
Coding change: c.467C>A on transcript NM_002206.3 (MANE Select); coding-DNA position 467, C replaced by A.
Protein change: p.Thr156Lys; replaces threonine 156 with lysine.
Molecular consequence: missense variant. On other transcripts: 5 prime UTR variant (1).
Genome position (GRCh38, 1-based): chr12:55,701,102, G>T on the plus strand (C>A on the coding strand, the complement: ITGA7 is on the minus strand). VCF-style: chr12-55701102-G-T. GRCh37 (hg19) VCF-style: chr12-56094886-G-T.
Other names: c.467C>A, p.Thr156Lys (NM_001144996.2, NM_001374465.1, NM_001410977.1 and 5 more transcripts); c.176C>A, p.Thr59Lys (NM_001144997.2); c.128C>A, p.Thr43Lys (NM_001367993.1, NM_001414035.1); c.-706C>A (NM_001367994.1); short protein forms T43K, T156K, T59K.
Identifiers: ClinVar variation 841014 (VCV000841014.11), dbSNP rs375671999, ClinGen allele CA6616302.

ClinVar aggregate classification (germline): Uncertain significance. Review status: criteria provided, multiple submitters, no conflicts (2 of 4 stars). 3 submissions from 3 submitters: Uncertain significance (3). Last evaluated 2023-10-10.

Conditions:
Congenital muscular dystrophy due to integrin alpha-7 deficiency. Also called: MYOPATHY, CONGENITAL, DUE TO INTEGRIN ALPHA-7 DEFICIENCY; Congenital muscular dystrophy with integrin alpha-7 deficiency; Muscular dystrophy, congenital, due to ITGA7 deficiency. Identifiers: Orphanet 34520, MedGen C2750786, MONDO:0013177, OMIM 613204.

Allele frequency attached by ClinVar (database versions not stated): TOPMed 0.00006.
gnomAD v4.1: 64 of 1,614,070 alleles (0.004%); highest among the groups gnomAD compares: Non-Finnish European, 0.0052%; no homozygotes.

Submissions (3):

Revvity Omics, Revvity
Classification: Uncertain significance for Congenital muscular dystrophy due to integrin alpha-7 deficiency. Last evaluated: 2023-10-10. Review status: criteria provided, single submitter. Criteria: ACMG Guidelines, 2015. Collection method: clinical testing. Allele origin: germline.

Labcorp Genetics (formerly Invitae), Labcorp
Classification: Uncertain significance for Congenital muscular dystrophy due to integrin alpha-7 deficiency. Last evaluated: 2023-09-12. Review status: criteria provided, single submitter. Criteria: Invitae Variant Classification Sherloc (09022015). Collection method: clinical testing. Allele origin: germline.
Comment: This sequence change replaces threonine, which is neutral and polar, with lysine, which is basic and polar, at codon 156 of the ITGA7 protein (p.Thr156Lys). This variant is present in population databases (rs375671999, gnomAD 0.006%). This variant has not been reported in the literature in individuals affected with ITGA7-related conditions. ClinVar contains an entry for this variant (Variation ID: 841014). Advanced modeling of protein sequence and biophysical properties (such as structural, functional, and spatial information, amino acid conservation, physicochemical variation, residue mobility, and thermodynamic stability) performed at Invitae indicates that this missense variant is not expected to disrupt ITGA7 protein function. In summary, the available evidence is currently insufficient to determine the role of this variant in disease. Therefore, it has been classified as a Variant of Uncertain Significance.

GeneDx
Classification: Uncertain significance. Last evaluated: 2019-08-16. Review status: criteria provided, single submitter. Criteria: GeneDx Variant Classification Process June 2021. Collection method: clinical testing. Allele origin: germline. Affected: yes.
Comment: Not observed at a significant frequency in large population cohorts (Lek et al., 2016); In silico analysis, which includes protein predictors and evolutionary conservation, supports a deleterious effect; Has not been previously published as pathogenic or benign to our knowledge